The following is an entry in ClinVar:

NM_005188.4(CBL):c.443+4A>G

Gene: CBL (Cbl proto-oncogene; plus strand). Cytogenetic location: 11q23.3.
Variant type: single nucleotide variant.
Coding change: c.443+4A>G on transcript NM_005188.4 (MANE Select); 4 bases into the intron after coding-DNA position 443, A replaced by G.
Molecular consequence: intron variant.
Genome position (GRCh38, 1-based): chr11:119,232,699, A>G. VCF-style: chr11-119232699-A-G. GRCh37 (hg19) VCF-style: chr11-119103409-A-G.
Identifiers: ClinVar variation 3700033 (VCV003700033.2).

ClinVar aggregate classification (germline): Uncertain significance (1 of 4 stars; one submission).

Conditions:
RASopathy. Also called: Noonan spectrum disorder; rasopathies. Identifiers: Orphanet 536391, MedGen C5555857, MONDO:0021060.

Submission:

Labcorp Genetics (formerly Invitae), Labcorp
Classification: Uncertain significance for RASopathy. Last evaluated: 2024-10-24. Review status: criteria provided, single submitter. Criteria: Invitae Variant Classification Sherloc (09022015). Collection method: clinical testing. Allele origin: germline.
Comment: This sequence change falls in intron 2 of the CBL gene. It does not directly change the encoded amino acid sequence of the CBL protein. It affects a nucleotide within the consensus splice site. This variant is not present in population databases (gnomAD no frequency). This variant has not been reported in the literature in individuals affected with CBL-related conditions. Variants that disrupt the consensus splice site are a relatively common cause of aberrant splicing (PMID: 17576681, 9536098). Algorithms developed to predict the effect of sequence changes on RNA splicing suggest that this variant may disrupt the consensus splice site. In summary, the available evidence is currently insufficient to determine the role of this variant in disease. Therefore, it has been classified as a Variant of Uncertain Significance.

Literature cited by the submitters: PubMed 17576681; PubMed 9536098.